The following is an entry in ClinVar:

NM_001204.7(BMPR2):c.748C>T (p.Pro250Ser)

Gene: BMPR2 (bone morphogenetic protein receptor type 2; plus strand). Cytogenetic location: 2q33.2.
Variant type: single nucleotide variant.
Coding change: c.748C>T on transcript NM_001204.7 (MANE Select); coding-DNA position 748, C replaced by T.
Protein change: p.Pro250Ser; replaces proline 250 with serine.
Molecular consequence: missense variant.
Genome position (GRCh38, 1-based): chr2:202,518,948, C>T. VCF-style: chr2-202518948-C-T. GRCh37 (hg19) VCF-style: chr2-203383671-C-T.
Other names: short protein forms P250S.
Identifiers: ClinVar variation 897317 (VCV000897317.9), dbSNP rs770342652, ClinGen allele CA64015793.

ClinVar aggregate classification (germline): Uncertain significance. Review status: criteria provided, multiple submitters, no conflicts (2 of 4 stars). 3 submissions from 3 submitters: Uncertain significance (3). Last evaluated 2026-05-27.

Conditions:
Primary pulmonary hypertension. Also called: Idiopathic pulmonary hypertension. Identifiers: MedGen C0152171.
Inborn genetic diseases. Identifiers: MedGen C0950123, MeSH D030342.
Pulmonary hypertension, primary, 1 (PPH1). Also called: Pulmonary hypertension, familial primary, 1, with or without HHT. Identifiers: Orphanet 422, MedGen C4552070, MONDO:0024533, OMIM 178600.

Allele frequency attached by ClinVar (database versions not stated): gnomAD 0.00001; gnomAD exomes 0.00002; TOPMed 0.00002.

Submissions (3):

Ambry Genetics
Classification: Uncertain significance for Inborn genetic diseases. Last evaluated: 2026-05-27. Review status: criteria provided, single submitter. Criteria: Ambry Variant Classification Scheme 2023. Collection method: clinical testing. Allele origin: germline.

Labcorp Genetics (formerly Invitae), Labcorp
Classification: Uncertain significance for Primary pulmonary hypertension. Last evaluated: 2025-04-03. Review status: criteria provided, single submitter. Criteria: Invitae Variant Classification Sherloc (09022015). Collection method: clinical testing. Allele origin: germline.
Comment: This sequence change replaces proline, which is neutral and non-polar, with serine, which is neutral and polar, at codon 250 of the BMPR2 protein (p.Pro250Ser). This variant is present in population databases (rs770342652, gnomAD 0.0009%). This variant has not been reported in the literature in individuals affected with BMPR2-related conditions. ClinVar contains an entry for this variant (Variation ID: 897317). Invitae Evidence Modeling of protein sequence and biophysical properties (such as structural, functional, and spatial information, amino acid conservation, physicochemical variation, residue mobility, and thermodynamic stability) indicates that this missense variant is not expected to disrupt BMPR2 protein function with a negative predictive value of 80%. In summary, the available evidence is currently insufficient to determine the role of this variant in disease. Therefore, it has been classified as a Variant of Uncertain Significance.

Illumina Laboratory Services, Illumina
Classification: Uncertain significance for Pulmonary hypertension, primary, 1. Last evaluated: 2018-01-13. Review status: criteria provided, single submitter. Criteria: ICSL Variant Classification Criteria 13 December 2019. Collection method: clinical testing. Allele origin: germline.